The following is an entry in ClinVar:

NM_002227.4(JAK1):c.311G>A (p.Arg104Gln)

Gene: JAK1 (Janus kinase 1; minus strand). Cytogenetic location: 1p31.3.
Variant type: single nucleotide variant.
Coding change: c.311G>A on transcript NM_002227.4 (MANE Select); coding-DNA position 311, G replaced by A.
Protein change: p.Arg104Gln; replaces arginine 104 with glutamine.
Molecular consequence: missense variant.
Genome position (GRCh38, 1-based): chr1:64,879,043, C>T on the plus strand (G>A on the coding strand, the complement: JAK1 is on the minus strand). VCF-style: chr1-64879043-C-T. GRCh37 (hg19) VCF-style: chr1-65344726-C-T.
Other names: c.311G>A, p.Arg104Gln (NM_001320923.2, NM_001321852.2, NM_001321853.2 and 4 more transcripts); short protein forms R104Q.
Identifiers: ClinVar variation 1375726 (VCV001375726.6), dbSNP rs532214548, ClinGen allele CA893190.

ClinVar aggregate classification (germline): Uncertain significance (1 of 4 stars; one submission).

Allele frequency attached by ClinVar (database versions not stated): 1000 Genomes Project 30x 0.00016; 1000 Genomes Project 0.00020.
gnomAD v4.1: 12 of 1,613,906 alleles (0.00074%); highest among the groups gnomAD compares: Admixed American, 0.0017%; no homozygotes.

Submission:

Labcorp Genetics (formerly Invitae), Labcorp
Classification: Uncertain significance. Last evaluated: 2023-11-28. Review status: criteria provided, single submitter. Criteria: Invitae Variant Classification Sherloc (09022015). Collection method: clinical testing. Allele origin: germline.
Comment: This sequence change replaces arginine, which is basic and polar, with glutamine, which is neutral and polar, at codon 104 of the JAK1 protein (p.Arg104Gln). This variant is present in population databases (rs532214548, gnomAD 0.003%). This variant has not been reported in the literature in individuals affected with JAK1-related conditions. ClinVar contains an entry for this variant (Variation ID: 1375726). Advanced modeling of protein sequence and biophysical properties (such as structural, functional, and spatial information, amino acid conservation, physicochemical variation, residue mobility, and thermodynamic stability) performed at Invitae indicates that this missense variant is not expected to disrupt JAK1 protein function with a negative predictive value of 80%. In summary, the available evidence is currently insufficient to determine the role of this variant in disease. Therefore, it has been classified as a Variant of Uncertain Significance.